The following is an entry in ClinVar:

NM_033409.4(SLC52A3):c.287C>A (p.Thr96Asn)

Gene: SLC52A3 (solute carrier family 52 member 3; minus strand). Cytogenetic location: 20p13.
Variant type: single nucleotide variant.
Coding change: c.287C>A on transcript NM_033409.4 (MANE Select); coding-DNA position 287, C replaced by A.
Protein change: p.Thr96Asn; replaces threonine 96 with asparagine.
Molecular consequence: missense variant.
Genome position (GRCh38, 1-based): chr20:765,488, G>T on the plus strand (C>A on the coding strand, the complement: SLC52A3 is on the minus strand). VCF-style: chr20-765488-G-T. GRCh37 (hg19) VCF-style: chr20-746132-G-T.
Other names: c.287C>A, p.Thr96Asn (NM_001370085.1, NM_001370086.1); short protein forms T96N.
Identifiers: ClinVar variation 954789 (VCV000954789.9), dbSNP rs1986650729, ClinGen allele CA407964152.

ClinVar aggregate classification (germline): Uncertain significance (1 of 4 stars; one submission).

Conditions:
Brown-Vialetto-van Laere syndrome 1. Also called: BROWN-VIALETTO-VAN LAERE SYNDROME 1, MILD; BULBAR PALSY, PROGRESSIVE, WITH SENSORINEURAL DEAFNESS; PONTOBULBAR PALSY WITH DEAFNESS. Identifiers: Orphanet 572550, Orphanet 97229, MedGen C0796274, MONDO:0024537, OMIM 211530.

Submission:

Labcorp Genetics (formerly Invitae), Labcorp
Classification: Uncertain significance for Brown-Vialetto-van Laere syndrome 1. Last evaluated: 2019-09-16. Review status: criteria provided, single submitter. Criteria: Invitae Variant Classification Sherloc (09022015). Collection method: clinical testing. Allele origin: germline.
Comment: In summary, the available evidence is currently insufficient to determine the role of this variant in disease. Therefore, it has been classified as a Variant of Uncertain Significance. Algorithms developed to predict the effect of missense changes on protein structure and function are either unavailable or do not agree on the potential impact of this missense change (SIFT: "Tolerated"; PolyPhen-2: "Possibly Damaging"; Align-GVGD: "Class C0"). This variant has not been reported in the literature in individuals with SLC52A3-related conditions. This variant is not present in population databases (ExAC no frequency). This sequence change replaces threonine with asparagine at codon 96 of the SLC52A3 protein (p.Thr96Asn). The threonine residue is highly conserved and there is a small physicochemical difference between threonine and asparagine.